The following is an entry in ClinVar:

NM_000540.3(RYR1):c.10860G>A (p.Trp3620Ter)

Gene: RYR1 (ryanodine receptor 1; plus strand). Cytogenetic location: 19q13.2.
Variant type: single nucleotide variant.
Coding change: c.10860G>A on transcript NM_000540.3 (MANE Select); coding-DNA position 10860, G replaced by A.
Protein change: p.Trp3620Ter; replaces tryptophan 3620 with a stop codon.
Molecular consequence: nonsense.
Genome position (GRCh38, 1-based): chr19:38,528,341, G>A. VCF-style: chr19-38528341-G-A. GRCh37 (hg19) VCF-style: chr19-39018981-G-A.
Other names: c.10845G>A, p.Trp3615Ter (NM_001042723.2); short protein forms W3615*, W3620*.
Identifiers: ClinVar variation 3069262 (VCV003069262.1), dbSNP rs2514494376, ClinGen allele CA405649385.
Genomic context (GRCh38, chr19:38,528,341, plus strand): 5'-GACTGTCCTGCTATCCCCTCCCCAGACCGAGCACCCTTACAAGTCTAAGAAGGCCGTGTG[G>A]CACAAGCTTTTGTCCAAACAGCGCCGGCGGGCAGTCGTGGCCTGTTTCCGTATGACGCCC-3'

ClinVar aggregate classification (germline): Uncertain significance (1 of 4 stars; one submission).

Conditions:
Malignant hyperthermia, susceptibility to, 1 (MHS1). Also called: RYR1-Related Malignant Hyperthermia Susceptibility; Anesthesia related hyperthermia; Malignant hyperpyrexia; Fulminating hyperpyrexia; Pharmacogenic myopathy; Malignant hyperthermia suceptibility 1. Identifiers: Orphanet 423, MedGen C2930980, MONDO:0007783, OMIM 145600.

Submission:

All of Us Research Program, National Institutes of Health
Classification: Uncertain significance for Malignant hyperthermia, susceptibility to, 1. Last evaluated: 2022-12-05. Review status: criteria provided, single submitter. Criteria: ACMG Guidelines, 2015. Collection method: clinical testing. Allele origin: germline. Inheritance: Autosomal dominant inheritance. Observed: 1 variant allele, 1 heterozygote.
Comment: This pathogenicity assessment is for autosomal dominant malignant hyperthermia susceptibility phenotype. This nonsense variant is predicted to result in an absent RYR1 protein product. Loss of RYR1 function due to haploinsufficiency is associated with congenital myopathy, but it is not an established disease mechanism for autosomal dominant malignant hyperthermia susceptibility. Therefore, this variant is classified as a Variant of Uncertain Significance for malignant hyperthermia susceptibility.

This study involves interpretation of variants in research participants for the purpose of population health screening. Participant phenotype was not available at the time of variant classification. Additional details can be found in publication PMID: 35346344, PMCID: PMC8962531